The following is an entry in ClinVar:

ClinVar aggregate classification (germline): Uncertain significance (1 of 4 stars; one submission).

Conditions:
Niemann-Pick disease, type C1. Also called: NEUROVISCERAL STORAGE DISEASE WITH VERTICAL SUPRANUCLEAR OPHTHALMOPLEGIA; NIEMANN-PICK DISEASE WITH CHOLESTEROL ESTERIFICATION BLOCK; NIEMANN-PICK DISEASE WITHOUT SPHINGOMYELINASE DEFICIENCY; NIEMANN-PICK DISEASE, CHRONIC NEURONOPATHIC FORM; NIEMANN-PICK DISEASE, VARIANT TYPE C1. Identifiers: Orphanet 646, MedGen C3179455, MONDO:0009757, OMIM 257220.

Allele frequency attached by ClinVar (database versions not stated): gnomAD 0.00001; TOPMed 0.00001; ExAC 0.00002; gnomAD exomes 0.00006.
gnomAD v4.1: 88 of 1,602,506 alleles (0.0055%); highest among the groups gnomAD compares: Non-Finnish European, 0.0071%; no homozygotes.

Submission:

Labcorp Genetics (formerly Invitae), Labcorp
Classification: Uncertain significance for Niemann-Pick disease, type C1. Last evaluated: 2024-08-13. Review status: criteria provided, single submitter. Criteria: Invitae Variant Classification Sherloc (09022015). Collection method: clinical testing. Allele origin: germline.
Comment: This sequence change replaces glycine, which is neutral and non-polar, with glutamic acid, which is acidic and polar, at codon 717 of the NPC1 protein (p.Gly717Glu). This variant is present in population databases (rs768803055, gnomAD 0.005%). This variant has not been reported in the literature in individuals affected with NPC1-related conditions. ClinVar contains an entry for this variant (Variation ID: 2145527). Advanced modeling of protein sequence and biophysical properties (such as structural, functional, and spatial information, amino acid conservation, physicochemical variation, residue mobility, and thermodynamic stability) performed at Invitae indicates that this missense variant is not expected to disrupt NPC1 protein function with a negative predictive value of 95%. In summary, the available evidence is currently insufficient to determine the role of this variant in disease. Therefore, it has been classified as a Variant of Uncertain Significance.

NM_000271.5(NPC1):c.2150G>A (p.Gly717Glu)

Gene: NPC1 (NPC intracellular cholesterol transporter 1; minus strand). Cytogenetic location: 18q11.2.
Variant type: single nucleotide variant.
Coding change: c.2150G>A on transcript NM_000271.5 (MANE Select); coding-DNA position 2150, G replaced by A.
Protein change: p.Gly717Glu; replaces glycine 717 with glutamic acid.
Molecular consequence: missense variant.
Genome position (GRCh38, 1-based): chr18:23,543,550, C>T on the plus strand (G>A on the coding strand, the complement: NPC1 is on the minus strand). VCF-style: chr18-23543550-C-T. GRCh37 (hg19) VCF-style: chr18-21123514-C-T.
Other names: short protein forms G717E.
Identifiers: ClinVar variation 2145527 (VCV002145527.2), dbSNP rs768803055, ClinGen allele CA8913192.
Genomic context (GRCh38, chr18:23,543,550, plus strand): 5'-AGGAACATACTGGGAGCCACTTCTCCTAGGACCCTGCCCAGCTGCTGATCCAGGGTTTCC[C>T]CTTGAAGACGTTCATCTCTCTTAAAAAAAAAAAAAAAAAATTATGCGACATTAAAATTTC-3'
Protein context (NP_000262.2, residues 707-727): QAYQRDERLQ[Gly717Glu]ETLDQQLGRV